The following is an entry in ClinVar:

ClinVar aggregate classification (germline): Uncertain significance (1 of 4 stars; one submission).

Submission:

Labcorp Genetics (formerly Invitae), Labcorp
Classification: Uncertain significance. Last evaluated: 2023-12-30. Review status: criteria provided, single submitter. Criteria: Invitae Variant Classification Sherloc (09022015). Collection method: clinical testing. Allele origin: germline.
Comment: This sequence change replaces asparagine, which is neutral and polar, with histidine, which is basic and polar, at codon 3022 of the KMT2A protein (p.Asn3022His). This variant is not present in population databases (gnomAD no frequency). This variant has not been reported in the literature in individuals affected with KMT2A-related conditions. Advanced modeling of protein sequence and biophysical properties (such as structural, functional, and spatial information, amino acid conservation, physicochemical variation, residue mobility, and thermodynamic stability) performed at Invitae indicates that this missense variant is not expected to disrupt KMT2A protein function with a negative predictive value of 95%. In summary, the available evidence is currently insufficient to determine the role of this variant in disease. Therefore, it has been classified as a Variant of Uncertain Significance.

NM_001197104.2(KMT2A):c.9064A>C (p.Asn3022His)

Gene: KMT2A (lysine methyltransferase 2A; plus strand). Cytogenetic location: 11q23.3.
Variant type: single nucleotide variant.
Coding change: c.9064A>C on transcript NM_001197104.2 (MANE Select); coding-DNA position 9064, A replaced by C.
Protein change: p.Asn3022His; replaces asparagine 3022 with histidine.
Molecular consequence: missense variant.
Genome position (GRCh38, 1-based): chr11:118,504,956, A>C. VCF-style: chr11-118504956-A-C. GRCh37 (hg19) VCF-style: chr11-118375671-A-C.
Other names: c.9154A>C, p.Asn3052His (NM_001412597.1); c.9055A>C, p.Asn3019His (NM_005933.4); short protein forms N3022H, N3052H, N3019H.
Identifiers: ClinVar variation 2706595 (VCV002706595.3), dbSNP rs2497015418, ClinGen allele CA382818066.